The following is an entry in ClinVar:

ClinVar aggregate classification (germline): Uncertain significance (1 of 4 stars; one submission).

Submission:

Women's Health and Genetics/Laboratory Corporation of America, LabCorp
Classification: Uncertain significance. Last evaluated: 2026-02-23. Review status: criteria provided, single submitter. Criteria: LabCorp Variant Classification Summary - May 2015. Collection method: clinical testing. Allele origin: germline.
Comment: Variant summary: EFEMP2 c.1094C>A (p.Ala365Glu) results in a non-conservative amino acid change in the encoded protein sequence. Algorithms developed to predict the effect of missense changes on protein structure and function all suggest that this variant is likely to be disruptive. The variant was absent in 251432 control chromosomes. The available data on variant occurrences in the general population are insufficient to allow any conclusion about variant significance. To our knowledge, no occurrence of c.1094C>A in individuals affected with EFEMP2-related conditions and no experimental evidence demonstrating its impact on protein function have been reported. No submitters have cited clinical-significance assessments for this variant to ClinVar. Based on the evidence outlined above, the variant was classified as uncertain significance.

NM_016938.5(EFEMP2):c.1094C>A (p.Ala365Glu)

Gene: EFEMP2 (EGF-like fibulin extracellular matrix protein 2; minus strand). Cytogenetic location: 11q13.1.
Variant type: single nucleotide variant.
Coding change: c.1094C>A on transcript NM_016938.5 (MANE Select); coding-DNA position 1094, C replaced by A.
Protein change: p.Ala365Glu; replaces alanine 365 with glutamic acid.
Molecular consequence: missense variant. On other transcripts: non-coding transcript variant (1).
Genome position (GRCh38, 1-based): chr11:65,867,937, G>T on the plus strand (C>A on the coding strand, the complement: EFEMP2 is on the minus strand). VCF-style: chr11-65867937-G-T. GRCh37 (hg19) VCF-style: chr11-65635408-G-T.
Other names: short protein forms A365E.
Identifiers: ClinVar variation 4848183 (VCV004848183.1).